The following is an entry in ClinVar:

NM_006031.6(PCNT):c.426G>C (p.Gln142His)

Gene: PCNT (pericentrin; plus strand). Cytogenetic location: 21q22.3.
Variant type: single nucleotide variant.
Coding change: c.426G>C on transcript NM_006031.6 (MANE Select); coding-DNA position 426, G replaced by C.
Protein change: p.Gln142His; replaces glutamine 142 with histidine.
Molecular consequence: missense variant.
Genome position (GRCh38, 1-based): chr21:46,334,555, G>C. VCF-style: chr21-46334555-G-C. GRCh37 (hg19) VCF-style: chr21-47754469-G-C.
Other names: c.72G>C, p.Gln24His (NM_001315529.2); short protein forms Q142H, Q24H.
Identifiers: ClinVar variation 4977112 (VCV004977112.1).

ClinVar aggregate classification (germline): Uncertain significance (1 of 4 stars; one submission).

Conditions:
PCNT-related disorder. Also called: PCNT-related condition.

gnomAD v4.1: 2 of 1,599,204 alleles (0.00013%); highest among the groups gnomAD compares: African/African-American, 0.0027%; no homozygotes.

Submission:

PreventionGenetics, part of Exact Sciences
Classification: Uncertain significance for PCNT-related condition. Last evaluated: 2025-06-23. Review status: criteria provided, single submitter. Criteria: ACMG Guidelines, 2015. Collection method: clinical testing. Allele origin: germline.
Comment: The PCNT c.426G>C variant is predicted to result in the amino acid substitution p.Gln142His. To our knowledge, this variant has not been reported in the literature or in a large population database (gnomAD), indicating this variant is rare. At this time, the clinical significance of this variant is uncertain due to the absence of conclusive functional and genetic evidence.